The following is an entry in ClinVar:

ClinVar aggregate classification (germline): Pathogenic (1 of 4 stars; one submission).

Conditions:
DICER1-related tumor predisposition. Also called: DICER1-related pleuropulmonary blastoma cancer predisposition syndrome; DICER1 syndrome. Identifiers: Orphanet 284343, MedGen C3839822, MONDO:0100216.

Submission:

Labcorp Genetics (formerly Invitae), Labcorp
Classification: Pathogenic for DICER1-related tumor predisposition. Last evaluated: 2021-06-05. Review status: criteria provided, single submitter. Criteria: Invitae Variant Classification Sherloc (09022015). Collection method: clinical testing. Allele origin: germline.
Comment: This sequence change creates a premature translational stop signal (p.Gln1832*) in the DICER1 gene. It is expected to result in an absent or disrupted protein product. This variant is not present in population databases (ExAC no frequency). This variant has not been reported in the literature in individuals with DICER1-related disease. ClinVar contains an entry for this variant (Variation ID: 412037). Loss-of-function variants in DICER1 are known to be pathogenic (PMID: 19556464, 21266384). For these reasons, this variant has been classified as Pathogenic.

Literature cited by the submitters: PubMed 19556464; PubMed 21266384.

NM_177438.3(DICER1):c.5494C>T (p.Gln1832Ter)

Gene: DICER1 (dicer 1, ribonuclease III; minus strand). Cytogenetic location: 14q32.13.
Variant type: single nucleotide variant.
Coding change: c.5494C>T on transcript NM_177438.3 (MANE Select); coding-DNA position 5494, C replaced by T.
Protein change: p.Gln1832Ter; replaces glutamine 1832 with a stop codon.
Molecular consequence: nonsense. On other transcripts: intron variant (1).
Genome position (GRCh38, 1-based): chr14:95,091,236, G>A on the plus strand (C>T on the coding strand, the complement: DICER1 is on the minus strand). VCF-style: chr14-95091236-G-A. GRCh37 (hg19) VCF-style: chr14-95557573-G-A.
Other names: c.5494C>T, p.Gln1832Ter (NM_001271282.3, NM_001291628.2, NM_030621.4); c.5365-127C>T (NM_001195573.1); short protein forms Q1832*.
Identifiers: ClinVar variation 412037 (VCV000412037.9), dbSNP rs1060503583, ClinGen allele CA16614588.
Genomic context (GRCh38, chr14:95,091,236, plus strand): 5'-TTTCTTTCTAAAGGGAGCCAACAATACCTATTAGTGGCCGCATCATGGGATAGTACACCT[G>A]CCAGACTGTCTCCAGTGACATCCCACTATCCATGTAAATGGCACCAGCAAGCGACTCAAA-3'